The following is an entry in ClinVar:

ClinVar aggregate classification (germline): Uncertain significance (1 of 4 stars; one submission).

Submission:

Labcorp Genetics (formerly Invitae), Labcorp
Classification: Uncertain significance. Last evaluated: 2024-12-24. Review status: criteria provided, single submitter. Criteria: Invitae Variant Classification Sherloc (09022015). Collection method: clinical testing. Allele origin: germline.
Comment: This sequence change replaces alanine, which is neutral and non-polar, with valine, which is neutral and non-polar, at codon 85 of the POMP protein (p.Ala85Val). This variant is not present in population databases (gnomAD no frequency). This variant has not been reported in the literature in individuals affected with POMP-related conditions. ClinVar contains an entry for this variant (Variation ID: 1384807). An algorithm developed to predict the effect of missense changes on protein structure and function (PolyPhen-2) suggests that this variant is likely to be disruptive. In summary, the available evidence is currently insufficient to determine the role of this variant in disease. Therefore, it has been classified as a Variant of Uncertain Significance.

NM_015932.6(POMP):c.254C>T (p.Ala85Val)

Gene: POMP (proteasome maturation protein; plus strand). Cytogenetic location: 13q12.3.
Variant type: single nucleotide variant.
Coding change: c.254C>T on transcript NM_015932.6 (MANE Select); coding-DNA position 254, C replaced by T.
Protein change: p.Ala85Val; replaces alanine 85 with valine.
Molecular consequence: missense variant.
Genome position (GRCh38, 1-based): chr13:28,668,564, C>T. VCF-style: chr13-28668564-C-T. GRCh37 (hg19) VCF-style: chr13-29242701-C-T.
Other names: short protein forms A85V.
Identifiers: ClinVar variation 1384807 (VCV001384807.6), dbSNP rs2137795219, ClinGen allele CA387803605.
Genomic context (GRCh38, chr13:28,668,564, plus strand): 5'-CCACACTGAGAAACATTCAGGGTCTATTTGCTCCGCTAAAATTACAGATGGAATTCAAGG[C>T]AGTGCAGCAGGTGAGTTGATGGATCTCTGTTGCATATGTGTCGATATCATTCATGAGGAA-3'
Protein context (NP_057016.1, residues 75-95): APLKLQMEFK[Ala85Val]VQQVQRLPFL